The following is an entry in ClinVar:

ClinVar aggregate classification (germline): Uncertain significance (1 of 4 stars; one submission).

gnomAD v4.1: 2 of 1,614,020 alleles (0.00012%); highest among the groups gnomAD compares: Non-Finnish European, 0.00017%; no homozygotes.

Submission:

Labcorp Genetics (formerly Invitae), Labcorp
Classification: Uncertain significance. Last evaluated: 2023-09-25. Review status: criteria provided, single submitter. Criteria: Invitae Variant Classification Sherloc (09022015). Collection method: clinical testing. Allele origin: germline.
Comment: In summary, the available evidence is currently insufficient to determine the role of this variant in disease. Therefore, it has been classified as a Variant of Uncertain Significance. Advanced modeling of protein sequence and biophysical properties (such as structural, functional, and spatial information, amino acid conservation, physicochemical variation, residue mobility, and thermodynamic stability) has been performed at Invitae for this missense variant, however the output from this modeling did not meet the statistical confidence thresholds required to predict the impact of this variant on ARID1B protein function. This variant has not been reported in the literature in individuals affected with ARID1B-related conditions. This variant is not present in population databases (gnomAD no frequency). This sequence change replaces glycine, which is neutral and non-polar, with valine, which is neutral and non-polar, at codon 1421 of the ARID1B protein (p.Gly1421Val).

NM_001374828.1(ARID1B):c.4631G>T (p.Gly1544Val)

Gene: ARID1B (AT-rich interaction domain 1B; plus strand). Cytogenetic location: 6q25.3.
Variant type: single nucleotide variant.
Coding change: c.4631G>T on transcript NM_001374828.1 (MANE Select); coding-DNA position 4631, G replaced by T.
Protein change: p.Gly1544Val; replaces glycine 1544 with valine.
Molecular consequence: missense variant.
Genome position (GRCh38, 1-based): chr6:157,200,856, G>T. VCF-style: chr6-157200856-G-T. GRCh37 (hg19) VCF-style: chr6-157521990-G-T.
Other names: c.4382G>T, p.Gly1461Val (NM_001346813.1); c.2132G>T, p.Gly711Val (NM_001363725.2); c.4511G>T, p.Gly1504Val (NM_001371656.1, NM_001374820.1); c.4472G>T, p.Gly1491Val (NM_017519.3); c.4262G>T, p.Gly1421Val (NM_020732.3); c.4049G>T, p.Gly1350Val (NM_175863.2); short protein forms G1421V, G1491V, G711V, G1544V, G1350V, G1504V, G1461V.
Identifiers: ClinVar variation 2826324 (VCV002826324.3), dbSNP rs1794050408, ClinGen allele CA366241085.